The following is an entry in ClinVar:

ClinVar aggregate classification (germline): Uncertain significance. Review status: criteria provided, single submitter (1 of 4 stars). 2 submissions from 2 submitters: Uncertain significance (1). 1 of the submissions does not count toward it. Last evaluated 2017-12-20.

Conditions:
ARID1A-related disorder. Also called: ARID1A-related condition.

gnomAD v4.1: 6 of 1,614,110 alleles (0.00037%); highest among the groups gnomAD compares: African/African-American, 0.0013%; no homozygotes.

Submissions (2):

Genetic Services Laboratory, University of Chicago
Classification: Uncertain significance. Last evaluated: 2017-12-20. Review status: criteria provided, single submitter. Criteria: ACMG Guidelines, 2015. Collection method: clinical testing. Allele origin: germline. Affected: no.

PreventionGenetics, part of Exact Sciences
Classification: Uncertain significance for ARID1A-related condition. Last evaluated: 2023-10-24. Review status: no assertion criteria provided. Collection method: clinical testing. Allele origin: germline. Not counted in ClinVar's aggregate classification.
Comment: The ARID1A c.5745G>T variant is predicted to result in the amino acid substitution p.Leu1915Phe. To our knowledge, this variant has not been reported in the literature. This variant is reported in 0.00088% of alleles in individuals of European (Non-Finnish) descent in gnomAD. At this time, the clinical significance of this variant is uncertain due to the absence of conclusive functional and genetic evidence.

NM_006015.6(ARID1A):c.5745G>T (p.Leu1915Phe)

Gene: ARID1A (AT-rich interaction domain 1A; plus strand). Cytogenetic location: 1p36.11.
Variant type: single nucleotide variant.
Coding change: c.5745G>T on transcript NM_006015.6 (MANE Select); coding-DNA position 5745, G replaced by T.
Protein change: p.Leu1915Phe; replaces leucine 1915 with phenylalanine.
Molecular consequence: missense variant.
Genome position (GRCh38, 1-based): chr1:26,779,643, G>T. VCF-style: chr1-26779643-G-T. GRCh37 (hg19) VCF-style: chr1-27106134-G-T.
Other names: c.5094G>T, p.Leu1698Phe (NM_139135.4); short protein forms L1698F, L1915F.
Identifiers: ClinVar variation 1336437 (VCV001336437.6), dbSNP rs767902770, ClinGen allele CA339186795.